The following is an entry in ClinVar:

NM_000361.3(THBD):c.825A>C (p.Ala275=)

Gene: THBD (thrombomodulin; minus strand). Cytogenetic location: 20p11.21.
Variant type: single nucleotide variant.
Coding change: c.825A>C on transcript NM_000361.3 (MANE Select); coding-DNA position 825, A replaced by C.
Protein change: p.Ala275=; no amino-acid change (alanine 275 retained).
Molecular consequence: synonymous variant.
Genome position (GRCh38, 1-based): chr20:23,048,680, T>G on the plus strand (A>C on the coding strand, the complement: THBD is on the minus strand). VCF-style: chr20-23048680-T-G. GRCh37 (hg19) VCF-style: chr20-23029317-T-G.
Identifiers: ClinVar variation 3695052 (VCV003695052.2).

ClinVar aggregate classification (germline): Uncertain significance (1 of 4 stars; one submission).

Submission:

Labcorp Genetics (formerly Invitae), Labcorp
Classification: Uncertain significance. Last evaluated: 2024-12-12. Review status: criteria provided, single submitter. Criteria: Invitae Variant Classification Sherloc (09022015). Collection method: clinical testing. Allele origin: germline.
Comment: This sequence change affects codon 275 of the THBD mRNA. It is a 'silent' change, meaning that it does not change the encoded amino acid sequence of the THBD protein. This variant is not present in population databases (gnomAD no frequency). This variant has not been reported in the literature in individuals affected with THBD-related conditions. In summary, the available evidence is currently insufficient to determine the role of this variant in disease. Therefore, it has been classified as a Variant of Uncertain Significance.